The following is an entry in ClinVar:

ClinVar aggregate classification (germline): Likely benign (0 of 4 stars; one submission).

Conditions:
SEMA3C-related disorder. Also called: SEMA3C-related condition.

Allele frequency attached by ClinVar (database versions not stated): gnomAD 0.00003; gnomAD exomes 0.00003; TOPMed 0.00003; ExAC 0.00004.

Submission:

PreventionGenetics, part of Exact Sciences
Classification: Likely benign for SEMA3C-related condition. Last evaluated: 2021-06-29. Review status: no assertion criteria provided. Collection method: clinical testing. Allele origin: germline.
Comment: This variant is classified as likely benign based on ACMG/AMP sequence variant interpretation guidelines (Richards et al. 2015 PMID: 25741868, with internal and published modifications).

NM_006379.5(SEMA3C):c.948G>A (p.Pro316=)

Gene: SEMA3C (semaphorin 3C; minus strand). Cytogenetic location: 7q21.11.
Variant type: single nucleotide variant.
Coding change: c.948G>A on transcript NM_006379.5 (MANE Select); coding-DNA position 948, G replaced by A.
Protein change: p.Pro316=; no amino-acid change (proline 316 retained).
Molecular consequence: synonymous variant.
Genome position (GRCh38, 1-based): chr7:80,800,795, C>T on the plus strand (G>A on the coding strand, the complement: SEMA3C is on the minus strand). VCF-style: chr7-80800795-C-T. GRCh37 (hg19) VCF-style: chr7-80430111-C-T.
Other names: c.1002G>A, p.Pro334= (NM_001350120.2); c.774G>A, p.Pro258= (NM_001350121.2).
Identifiers: ClinVar variation 3054985 (VCV003054985.2), dbSNP rs771652841, ClinGen allele CA4316268.